The following is an entry in ClinVar:

ClinVar aggregate classification (germline): Uncertain significance (1 of 4 stars; one submission).

Conditions:
Spinocerebellar ataxia, autosomal recessive, with axonal neuropathy 2 (SCAN2). Also called: ATAXIA-OCULOMOTOR APRAXIA 2; Ataxia-ocular apraxia-2; Ataxia with Oculomotor Apraxia; Ataxia with Oculomotor Apraxia Type 2. Identifiers: Orphanet 64753, MedGen C1853761, MONDO:0018996, OMIM 606002.
Amyotrophic lateral sclerosis type 4 (ALS4). Also called: AMYOTROPHIC LATERAL SCLEROSIS 4, JUVENILE; NEURONOPATHY, DISTAL HEREDITARY MOTOR, WITH PYRAMIDAL FEATURES. Identifiers: Orphanet 357043, MedGen C1865409, MONDO:0011223, OMIM 602433.

Submission:

Labcorp Genetics (formerly Invitae), Labcorp
Classification: Uncertain significance for Amyotrophic lateral sclerosis type 4; Spinocerebellar ataxia, autosomal recessive, with axonal neuropathy 2. Last evaluated: 2025-12-20. Review status: criteria provided, single submitter. Criteria: Invitae Variant Classification Sherloc (09022015). Collection method: clinical testing. Allele origin: germline.
Comment: This sequence change replaces glycine, which is neutral and non-polar, with valine, which is neutral and non-polar, at codon 1466 of the SETX protein (p.Gly1466Val). This variant is not present in population databases (gnomAD no frequency). This variant has not been reported in the literature in individuals affected with SETX-related conditions. Invitae Evidence Modeling of protein sequence and biophysical properties (such as structural, functional, and spatial information, amino acid conservation, physicochemical variation, residue mobility, and thermodynamic stability) indicates that this missense variant is not expected to disrupt SETX protein function with a negative predictive value of 95%. In summary, the available evidence is currently insufficient to determine the role of this variant in disease. Therefore, it has been classified as a Variant of Uncertain Significance.

NM_015046.7(SETX):c.4397G>T (p.Gly1466Val)

Gene: SETX (senataxin; minus strand). Cytogenetic location: 9q34.13.
Variant type: single nucleotide variant.
Coding change: c.4397G>T on transcript NM_015046.7 (MANE Select); coding-DNA position 4397, G replaced by T.
Protein change: p.Gly1466Val; replaces glycine 1466 with valine.
Molecular consequence: missense variant.
Genome position (GRCh38, 1-based): chr9:132,327,201, C>A on the plus strand (G>T on the coding strand, the complement: SETX is on the minus strand). VCF-style: chr9-132327201-C-A. GRCh37 (hg19) VCF-style: chr9-135202588-C-A.
Other names: c.4397G>T, p.Gly1466Val (NM_001351527.2, NM_001351528.2); short protein forms G1466V.
Identifiers: ClinVar variation 4790825 (VCV004790825.1).